The following is an entry in ClinVar:

ClinVar aggregate classification (germline): Likely benign (1 of 4 stars; one submission).

Conditions:
ADCY3-related disorder. Also called: ADCY3-related condition.

gnomAD v4.1: 1 of 1,614,134 alleles (0.000062%); highest among the groups gnomAD compares: Non-Finnish European, 0.000085%; no homozygotes.

Submission:

PreventionGenetics, part of Exact Sciences
Classification: Likely benign for ADCY3-related condition. Last evaluated: 2026-04-15. Review status: criteria provided, single submitter. Criteria: ACMG Guidelines, 2015. Collection method: clinical testing. Allele origin: germline.
Comment: This variant is classified as likely benign based on ACMG/AMP sequence variant interpretation guidelines (Richards et al. 2015 PMID: 25741868, with internal and published modifications).

NM_004036.5(ADCY3):c.399G>C (p.Arg133=)

Gene: ADCY3 (adenylate cyclase 3; minus strand). Cytogenetic location: 2p23.3.
Variant type: single nucleotide variant.
Coding change: c.399G>C on transcript NM_004036.5 (MANE Select); coding-DNA position 399, G replaced by C.
Protein change: p.Arg133=; no amino-acid change (arginine 133 retained).
Molecular consequence: synonymous variant.
Genome position (GRCh38, 1-based): chr2:24,918,589, C>G on the plus strand (G>C on the coding strand, the complement: ADCY3 is on the minus strand). VCF-style: chr2-24918589-C-G. GRCh37 (hg19) VCF-style: chr2-25141458-C-G.
Other names: c.399G>C, p.Arg133= (NM_001320613.2, NM_001377128.1, NM_001377129.1 and 2 more transcripts).
Identifiers: ClinVar variation 4995522 (VCV004995522.1).